The following is an entry in ClinVar:

ClinVar aggregate classification (germline): Uncertain significance. Review status: criteria provided, multiple submitters, no conflicts (2 of 4 stars). 3 submissions from 3 submitters: Uncertain significance (3). Last evaluated 2025-10-13.

Conditions:
Catecholaminergic polymorphic ventricular tachycardia (CVPT). Also called: Catecholamine-induced polymorphic ventricular tachycardia. Identifiers: Orphanet 3286, MedGen C5574922, MONDO:0017990.
Cardiomyopathy (CMYO). Also called: Cardiomyopathies. Identifiers: Orphanet 167848, MedGen C0878544, MONDO:0004994, HP:0001638. Inheritance: Various modes of inheritance.
Catecholaminergic polymorphic ventricular tachycardia 1. Also called: VENTRICULAR TACHYCARDIA, CATECHOLAMINERGIC POLYMORPHIC, 1, WITH OR WITHOUT ATRIAL DYSFUNCTION AND/OR DILATED CARDIOMYOPATHY; RYR2-Related Catecholaminergic Polymorphic Ventricular Tachycardia; VENTRICULAR TACHYCARDIA, STRESS-INDUCED POLYMORPHIC 1. Identifiers: Orphanet 3286, MedGen C1631597, MONDO:0011484, OMIM 604772.

Allele frequency attached by ClinVar (database versions not stated): ExAC 0.00001.

Submissions (3):

Labcorp Genetics (formerly Invitae), Labcorp
Classification: Uncertain significance for Catecholaminergic polymorphic ventricular tachycardia 1. Last evaluated: 2025-10-13. Review status: criteria provided, single submitter. Criteria: Invitae Variant Classification Sherloc (09022015). Collection method: clinical testing. Allele origin: germline.
Comment: This sequence change replaces serine, which is neutral and polar, with phenylalanine, which is neutral and non-polar, at codon 2992 of the RYR2 protein (p.Ser2992Phe). The frequency data for this variant in the population databases is considered unreliable, as metrics indicate poor data quality at this position in the gnomAD database. This variant has not been reported in the literature in individuals affected with RYR2-related conditions. ClinVar contains an entry for this variant (Variation ID: 3072509). Invitae Evidence Modeling of protein sequence and biophysical properties (such as structural, functional, and spatial information, amino acid conservation, physicochemical variation, residue mobility, and thermodynamic stability) has been performed for this missense variant. However, the output from this modeling did not meet the statistical confidence thresholds required to predict the impact of this variant on RYR2 protein function. In summary, the available evidence is currently insufficient to determine the role of this variant in disease. Therefore, it has been classified as a Variant of Uncertain Significance.

Color Diagnostics, LLC DBA Color Health
Classification: Uncertain significance for Cardiomyopathy. Last evaluated: 2025-09-05. Review status: criteria provided, single submitter. Criteria: ACMG Guidelines, 2015. Collection method: clinical testing. Allele origin: germline.
Comment: This missense variant replaces serine with phenylalanine at codon 2992 of the RYR2 protein. Computational prediction is inconclusive regarding the impact of this variant on protein structure and function. To our knowledge, functional studies have not been reported for this variant. This variant has not been reported in individuals affected with RYR2-related disorders in the literature. This variant has not been identified in the general population by the Genome Aggregation Database (gnomAD). The available evidence is insufficient to determine the role of this variant in disease conclusively. Therefore, this variant is classified as a Variant of Uncertain Significance.

All of Us Research Program, National Institutes of Health
Classification: Uncertain significance for Catecholaminergic polymorphic ventricular tachycardia. Last evaluated: 2023-08-15. Review status: criteria provided, single submitter. Criteria: ACMG Guidelines, 2015. Collection method: clinical testing. Allele origin: germline. Inheritance: Autosomal dominant inheritance. Observed: 1 variant allele, 1 heterozygote.
Comment: This study involves interpretation of variants in research participants for the purpose of population health screening. Participant phenotype was not available at the time of variant classification. Additional details can be found in publication PMID: 35346344, PMCID: PMC8962531

NM_001035.3(RYR2):c.8975C>T (p.Ser2992Phe)

Gene: RYR2 (ryanodine receptor 2; plus strand). Cytogenetic location: 1q43.
Variant type: single nucleotide variant.
Coding change: c.8975C>T on transcript NM_001035.3 (MANE Select); coding-DNA position 8975, C replaced by T.
Protein change: p.Ser2992Phe; replaces serine 2992 with phenylalanine.
Molecular consequence: missense variant.
Genome position (GRCh38, 1-based): chr1:237,680,535, C>T. VCF-style: chr1-237680535-C-T. GRCh37 (hg19) VCF-style: chr1-237843835-C-T.
Other names: short protein forms S2992F.
Identifiers: ClinVar variation 3072509 (VCV003072509.3), dbSNP rs776540262, ClinGen allele CA076619.